The following is an entry in ClinVar:

ClinVar aggregate classification (germline): Pathogenic (1 of 4 stars; one submission).

Submission:

CeGaT Center for Human Genetics Tuebingen
Classification: Pathogenic. Last evaluated: 2024-02-01. Review status: criteria provided, single submitter. Criteria: CeGaT Center For Human Genetics Tuebingen Variant Classification Criteria Version 2. Collection method: clinical testing. Allele origin: germline. Affected: yes. Observed: 1 variant allele.
Comment: KIDINS220: PVS1, PM2

NM_020738.4(KIDINS220):c.3874dup (p.Ser1292fs)

Gene: KIDINS220 (kinase D interacting substrate 220; minus strand). Cytogenetic location: 2p25.1.
Variant type: Duplication.
Coding change: c.3874dup on transcript NM_020738.4 (MANE Select); coding-DNA position 3874, one base duplicated (A; older notation c.3874dupA).
Protein change: p.Ser1292fs; shifts the reading frame from serine 1292.
Molecular consequence: frameshift variant. On other transcripts: non-coding transcript variant (2).
Genome position (GRCh38, 1-based): chr2:8,733,623, T duplicated on the plus strand (A on the coding strand, the reverse complement: KIDINS220 is on the minus strand). VCF-style (leftmost placement, unchanged base first): chr2-8733622-C-CT. GRCh37 (hg19) VCF-style: chr2-8873752-C-CT.
Other names: c.3877dup, p.Ser1293fs (NM_001348729.2); c.3820dup, p.Ser1274fs (NM_001348731.2); c.3817dup, p.Ser1273fs (NM_001348732.2, NM_001348738.2); c.3706dup, p.Ser1236fs (NM_001348734.2, NM_001348739.2, NM_001348740.2); c.3703dup, p.Ser1235fs (NM_001348735.2, NM_001348741.2, NM_001348742.2 and 1 more transcripts); c.3577dup, p.Ser1193fs (NM_001348736.2); short protein forms S1193fs, S1235fs, S1236fs, S1273fs, S1274fs, S1292fs, S1293fs.
Identifiers: ClinVar variation 3027103 (VCV003027103.22), dbSNP rs2527427721, ClinGen allele CA2740092679.
Genomic context (GRCh38, chr2:8,733,622, plus strand): 5'-TCGTTGTGGGAAGCGCGGCGAGCAGGCTCACCGTGCGGGGCTGGGCCACTGCTGCTCTCA[C>CT]TGAGGAAACGTGGGTCTTCAGGGACCACGTGGCTTTCTGCGTTTCTCATTTCTAGTACCT-3'